The following is an entry in ClinVar:

ClinVar aggregate classification (germline): Uncertain significance (1 of 4 stars; one submission).

Conditions:
Familial adenomatous polyposis 1 (FAP1). Also called: FAMILIAL ADENOMATOUS POLYPOSIS 1, ATTENUATED; POLYPOSIS, ADENOMATOUS INTESTINAL. Identifiers: MedGen C2713442, MONDO:0021056, OMIM 175100. Disease mechanism: loss of function.

Submission:

Labcorp Genetics (formerly Invitae), Labcorp
Classification: Uncertain significance for Familial adenomatous polyposis 1. Last evaluated: 2025-06-08. Review status: criteria provided, single submitter. Criteria: Invitae Variant Classification Sherloc (09022015). Collection method: clinical testing. Allele origin: germline.
Comment: This sequence change replaces threonine, which is neutral and polar, with proline, which is neutral and non-polar, at codon 2481 of the APC protein (p.Thr2481Pro). This variant is not present in population databases (gnomAD no frequency). This variant has not been reported in the literature in individuals affected with APC-related conditions. ClinVar contains an entry for this variant (Variation ID: 1491895). Invitae Evidence Modeling of protein sequence and biophysical properties (such as structural, functional, and spatial information, amino acid conservation, physicochemical variation, residue mobility, and thermodynamic stability) indicates that this missense variant is not expected to disrupt APC protein function with a negative predictive value of 95%. In summary, the available evidence is currently insufficient to determine the role of this variant in disease. Therefore, it has been classified as a Variant of Uncertain Significance.

NM_000038.6(APC):c.7441A>C (p.Thr2481Pro)

Gene: APC (APC regulator of Wnt signaling pathway; plus strand). Cytogenetic location: 5q22.2.
Variant type: single nucleotide variant.
Coding change: c.7441A>C on transcript NM_000038.6 (MANE Select); coding-DNA position 7441, A replaced by C.
Protein change: p.Thr2481Pro; replaces threonine 2481 with proline.
Molecular consequence: missense variant.
Genome position (GRCh38, 1-based): chr5:112,843,035, A>C. VCF-style: chr5-112843035-A-C. GRCh37 (hg19) VCF-style: chr5-112178732-A-C.
Other names: c.7441A>C, p.Thr2481Pro (NM_001127510.3, NM_001354895.2); c.7387A>C, p.Thr2463Pro (NM_001127511.3); c.7495A>C, p.Thr2499Pro (NM_001354896.2); c.7471A>C, p.Thr2491Pro (NM_001354897.2); c.7366A>C, p.Thr2456Pro (NM_001354898.2); c.7357A>C, p.Thr2453Pro (NM_001354899.2); c.7318A>C, p.Thr2440Pro (NM_001354900.2); c.7264A>C, p.Thr2422Pro (NM_001354901.2); and 5 more; short protein forms T2390P, T2198P, T2491P, T2321P, T2355P, T2453P, T2456P, T2481P.
Identifiers: ClinVar variation 1491895 (VCV001491895.8), dbSNP rs1321275331, ClinGen allele CA16037524.
Genomic context (GRCh38, chr5:112,843,035, plus strand): 5'-TCATTTGAATCTCTTTCTCCATCATCTAGACCAGCTTCTCCCACTAGGTCCCAGGCACAA[A>C]CTCCAGTTTTAAGTCCTTCCCTTCCTGATATGTCTCTATCCACACATTCGTCTGTTCAGG-3'
Protein context (NP_000029.2, residues 2471-2491): PASPTRSQAQ[Thr2481Pro]PVLSPSLPDM